The following is an entry in ClinVar:

NM_000090.4(COL3A1):c.3184G>A (p.Gly1062Ser)

Gene: COL3A1 (collagen type III alpha 1 chain; plus strand). Cytogenetic location: 2q32.2.
Variant type: single nucleotide variant.
Coding change: c.3184G>A on transcript NM_000090.4 (MANE Select); coding-DNA position 3184, G replaced by A.
Protein change: p.Gly1062Ser; replaces glycine 1062 with serine.
Molecular consequence: missense variant.
Genome position (GRCh38, 1-based): chr2:189,006,435, G>A. VCF-style: chr2-189006435-G-A. GRCh37 (hg19) VCF-style: chr2-189871161-G-A.
Other names: short protein forms G1062S.
Identifiers: ClinVar variation 2702615 (VCV002702615.3), dbSNP rs2469158238, ClinGen allele CA349845176.

ClinVar aggregate classification (germline): Likely pathogenic (1 of 4 stars; one submission).

Conditions:
Ehlers-Danlos syndrome, type 4 (EDSVASC). Also called: Ehlers-Danlos Syndrome Type IV; Ehlers-Danlos syndrome vascular type; Ehlers Danlos syndrome, ecchymotic type; Ehlers Danlos syndrome, arterial type; Ehlers Danlos syndrome, Sack-Barabas type. Identifiers: Orphanet 286, MedGen C0268338, MONDO:0017314, OMIM 130050.

Submission:

Labcorp Genetics (formerly Invitae), Labcorp
Classification: Likely pathogenic for Ehlers-Danlos syndrome, type 4. Last evaluated: 2024-01-29. Review status: criteria provided, single submitter. Criteria: Invitae Variant Classification Sherloc (09022015). Collection method: clinical testing. Allele origin: germline.
Comment: This sequence change replaces glycine, which is neutral and non-polar, with serine, which is neutral and polar, at codon 1062 of the COL3A1 protein (p.Gly1062Ser). This variant is not present in population databases (gnomAD no frequency). This variant has not been reported in the literature in individuals affected with COL3A1-related conditions. Advanced modeling of protein sequence and biophysical properties (such as structural, functional, and spatial information, amino acid conservation, physicochemical variation, residue mobility, and thermodynamic stability) performed at Invitae indicates that this missense variant is expected to disrupt COL3A1 protein function with a positive predictive value of 95%. This variant disrupts the triple helix domain of COL3A1. Glycine residues within the Gly-Xaa-Yaa repeats of the triple helix domain are required for the structure and stability of fibrillar collagens (PMID: 7695699, 8218237, 19344236). In COL3A1, variants that affect these glycine residues are significantly enriched in individuals with disease (PMID: 24922459, 25758994) compared to the general population (ExAC). In summary, the currently available evidence indicates that the variant is pathogenic, but additional data are needed to prove that conclusively. Therefore, this variant has been classified as Likely Pathogenic.

Literature cited by the submitters: PubMed 7695699; PubMed 8218237; PubMed 19344236; PubMed 24922459; PubMed 25758994.